The following is an entry in ClinVar:

NM_004519.4(KCNQ3):c.1507G>A (p.Gly503Arg)

Gene: KCNQ3 (potassium voltage-gated channel subfamily Q member 3; minus strand). Cytogenetic location: 8q24.22.
Variant type: single nucleotide variant.
Coding change: c.1507G>A on transcript NM_004519.4 (MANE Select); coding-DNA position 1507, G replaced by A.
Protein change: p.Gly503Arg; replaces glycine 503 with arginine.
Molecular consequence: missense variant.
Genome position (GRCh38, 1-based): chr8:132,140,137, C>T on the plus strand (G>A on the coding strand, the complement: KCNQ3 is on the minus strand). VCF-style: chr8-132140137-C-T. GRCh37 (hg19) VCF-style: chr8-133152384-C-T.
Other names: p.G503R:GGG>AGG; c.1147G>A, p.Gly383Arg (NM_001204824.2); short protein forms G503R, G383R.
Identifiers: ClinVar variation 205972 (VCV000205972.16), dbSNP rs773584143, ClinGen allele CA315611.

ClinVar aggregate classification (germline): Conflicting classifications of pathogenicity. Review status: criteria provided, conflicting classifications (1 of 4 stars). 3 submissions from 3 submitters: Uncertain significance (2); Likely benign (1). Last evaluated 2025-05-26.

Conditions:
Benign neonatal seizures. Also called: Benign familial neonatal epilepsy; Benign familial neonatal seizures; Benign neonatal familial convulsions; Convulsions benign familial neonatal dominant form; Autosomal dominant form of benign neonatal seizures. Identifiers: Orphanet 1949, MedGen C0220669, MONDO:0016027.
Seizures, benign familial neonatal, 2. Also called: Benign Neonatal Epilepsy 2; Seizures, benign neonatal, 2; CONVULSIONS, BENIGN FAMILIAL NEONATAL, 2; KCNQ3-Related Benign Familial Neonatal Epilepsy; KCNQ3-Related Self-Limited Familial Neonatal Epilepsy (SLFNE). Identifiers: Orphanet 1949, MedGen C1852581, MONDO:0007366, OMIM 121201.

Allele frequency attached by ClinVar (database versions not stated): gnomAD 0.00002; gnomAD exomes 0.00001 and 0.00002; TOPMed 0.00002; ExAC 0.00003.
gnomAD v4.1: 20 of 1,613,168 alleles (0.0012%); highest among the groups gnomAD compares: Non-Finnish European, 0.0016%; no homozygotes.

Submissions (3):

Labcorp Genetics (formerly Invitae), Labcorp
Classification: Uncertain significance for Benign neonatal seizures. Last evaluated: 2025-05-26. Review status: criteria provided, single submitter. Criteria: Invitae Variant Classification Sherloc (09022015). Collection method: clinical testing. Allele origin: germline.
Comment: This sequence change replaces glycine, which is neutral and non-polar, with arginine, which is basic and polar, at codon 503 of the KCNQ3 protein (p.Gly503Arg). This variant is present in population databases (rs773584143, gnomAD 0.005%). This variant has not been reported in the literature in individuals affected with KCNQ3-related conditions. ClinVar contains an entry for this variant (Variation ID: 205972). Invitae Evidence Modeling of protein sequence and biophysical properties (such as structural, functional, and spatial information, amino acid conservation, physicochemical variation, residue mobility, and thermodynamic stability) indicates that this missense variant is not expected to disrupt KCNQ3 protein function with a negative predictive value of 80%. In summary, the available evidence is currently insufficient to determine the role of this variant in disease. Therefore, it has been classified as a Variant of Uncertain Significance.

Illumina Laboratory Services, Illumina
Classification: Likely benign for Seizures, benign familial neonatal, 2. Last evaluated: 2018-01-12. Review status: criteria provided, single submitter. Criteria: ICSL Variant Classification Criteria 13 December 2019. Collection method: clinical testing. Allele origin: germline.
Comment: This variant was observed in the ICSL laboratory as part of a predisposition screen in an ostensibly healthy population. It had not been previously curated by ICSL or reported in the Human Gene Mutation Database (HGMD: prior to June 1st, 2018), and was therefore a candidate for classification through an automated scoring system. Utilizing variant allele frequency, disease prevalence and penetrance estimates, and inheritance mode, an automated score was calculated to assess if this variant is too frequent to cause the disease. Based on the score and internal cut-off values, a variant classified as likely benign is not then subjected to further curation. The score for this variant resulted in a classification of likely benign for this disease.

GeneDx
Classification: Uncertain significance. Last evaluated: 2014-05-09. Review status: criteria provided, single submitter. Criteria: GeneDx Variant Classification (06012015). Collection method: clinical testing. Allele origin: germline. Affected: yes.
Comment: p.Gly503Arg (GGG>AGG): c.1507 G>A in exon 11 of the KCNQ3 gene (NM_004519.2) The G503R variant has not been published as a mutation, nor has it been reported as a benign polymorphism to our knowledge. It was not observed in approximately 6,500 individuals of European and African American ancestry in the NHLBI Exome Sequencing Project, indicating it is not a common benign variant in these populations. The G503R variant is a non-conservative amino acid substitution, which is likely to impact secondary protein structure as these residues differ in polarity, charge, size and/or other properties. This substitution occurs at a position that is conserved in mammals. However, in silico analysis is inconsistent in its predictions as to whether or not the variant is damaging to the protein structure/function. Based on the currently available information, it is unclear whether this variant is a pathogenic mutation or a rare benign variant. The variant is found in INFANT-EPI,EPILEPSY panel(s).